The following is an entry in ClinVar:

ClinVar aggregate classification (germline): Uncertain significance (1 of 4 stars; one submission).

Conditions:
Cardiovascular phenotype. Identifiers: MedGen CN230736.

gnomAD v4.1: 1 of 1,614,142 alleles (0.000062%); highest among the groups gnomAD compares: Non-Finnish European, 0.000085%; no homozygotes.

Submission:

Ambry Genetics
Classification: Uncertain significance for Cardiovascular phenotype. Last evaluated: 2024-06-03. Review status: criteria provided, single submitter. Criteria: Ambry Variant Classification Scheme 2023. Collection method: clinical testing. Allele origin: germline.
Comment: The p.R1590G variant (also known as c.4768C>G), located in coding exon 31 of the MYH6 gene, results from a C to G substitution at nucleotide position 4768. The arginine at codon 1590 is replaced by glycine, an amino acid with dissimilar properties. This amino acid position is conserved. In addition, this alteration is predicted to be deleterious by in silico analysis. Based on the available evidence, the clinical significance of this variant remains unclear.

NM_002471.4(MYH6):c.4768C>G (p.Arg1590Gly)

Genes: MYH6 (myosin heavy chain 6; minus strand), LOC126861896 (BRD4-independent group 4 enhancer GRCh37_chr14:23854904-23856103; plus strand). Cytogenetic location: 14q11.2.
Variant type: single nucleotide variant.
Coding change: c.4768C>G on transcript NM_002471.4 (MANE Select); coding-DNA position 4768, C replaced by G.
Protein change: p.Arg1590Gly; replaces arginine 1590 with glycine.
Molecular consequence: missense variant.
Genome position (GRCh38, 1-based): chr14:23,386,506, G>C on the plus strand (C>G on the coding strand, the complement: MYH6 is on the minus strand). VCF-style: chr14-23386506-G-C. GRCh37 (hg19) VCF-style: chr14-23855715-G-C.
Other names: short protein forms R1590G.
Identifiers: ClinVar variation 3297501 (VCV003297501.1).